The following is an entry in ClinVar:

ClinVar aggregate classification (germline): Likely benign. Review status: criteria provided, multiple submitters, no conflicts (2 of 4 stars). 2 submissions from 2 submitters: Likely benign (2). Last evaluated 2024-12-05.

Conditions:
KIF11-related disorder. Also called: KIF11-related condition.

Allele frequency attached by ClinVar (database versions not stated): gnomAD 0.00001; TOPMed 0.00001; gnomAD exomes 0.00005 and 0.00010; ExAC 0.00007.
gnomAD v4.1: 59 of 1,605,568 alleles (0.0037%); highest among the groups gnomAD compares: East Asian, 0.13%; no homozygotes.

Submissions (2):

Labcorp Genetics (formerly Invitae), Labcorp
Classification: Likely benign. Last evaluated: 2024-12-05. Review status: criteria provided, single submitter. Criteria: Invitae Variant Classification Sherloc (09022015). Collection method: clinical testing. Allele origin: germline.

PreventionGenetics, part of Exact Sciences
Classification: Likely benign for KIF11-related condition. Last evaluated: 2024-10-28. Review status: criteria provided, single submitter. Criteria: ACMG Guidelines, 2015. Collection method: clinical testing. Allele origin: germline.
Comment: This variant is classified as likely benign based on ACMG/AMP sequence variant interpretation guidelines (Richards et al. 2015 PMID: 25741868, with internal and published modifications).

NM_004523.4(KIF11):c.2070A>G (p.Gln690=)

Gene: KIF11 (kinesin family member 11; plus strand). Cytogenetic location: 10q23.33.
Variant type: single nucleotide variant.
Coding change: c.2070A>G on transcript NM_004523.4 (MANE Select); coding-DNA position 2070, A replaced by G.
Protein change: p.Gln690=; no amino-acid change (glutamine 690 retained).
Molecular consequence: synonymous variant.
Genome position (GRCh38, 1-based): chr10:92,637,455, A>G. VCF-style: chr10-92637455-A-G. GRCh37 (hg19) VCF-style: chr10-94397212-A-G.
Other names: c.2070A>G (NM_004523.3).
Identifiers: ClinVar variation 1141125 (VCV001141125.10), dbSNP rs750683542, ClinGen allele CA5604322.